The following is an entry in ClinVar:

NM_182915.3(STEAP3):c.281C>T (p.Pro94Leu)

Genes: STEAP3 (STEAP3 metalloreductase; plus strand), STEAP3-AS1 (STEAP3 antisense RNA 1; minus strand). Cytogenetic location: 2q14.2.
Variant type: single nucleotide variant.
Coding change: c.281C>T on transcript NM_182915.3 (MANE Select); coding-DNA position 281, C replaced by T.
Protein change: p.Pro94Leu; replaces proline 94 with leucine.
Molecular consequence: missense variant. On other transcripts: non-coding transcript variant (1).
Genome position (GRCh38, 1-based): chr2:119,245,747, C>T. VCF-style: chr2-119245747-C-T. GRCh37 (hg19) VCF-style: chr2-120003323-C-T.
Other names: c.251C>T, p.Pro84Leu (NM_001008410.2, NM_018234.3, NM_138637.3); short protein forms P94L, P84L.
Identifiers: ClinVar variation 2514560 (VCV002514560.4), dbSNP rs150662213, ClinGen allele CA1846556.

ClinVar aggregate classification (germline): Uncertain significance. Review status: criteria provided, multiple submitters, no conflicts (2 of 4 stars). 2 submissions from 2 submitters: Uncertain significance (2). Last evaluated 2025-08-24.

Allele frequency attached by ClinVar (database versions not stated): gnomAD 0.00003; ExAC 0.00011; TOPMed 0.00003; ESP Exome Variant Server 0.00008; gnomAD exomes 0.00006.
gnomAD v4.1: 86 of 1,614,084 alleles (0.0053%); highest among the groups gnomAD compares: Admixed American, 0.045%; no homozygotes.

Submissions (2):

Labcorp Genetics (formerly Invitae), Labcorp
Classification: Uncertain significance. Last evaluated: 2025-08-24. Review status: criteria provided, single submitter. Criteria: Invitae Variant Classification Sherloc (09022015). Collection method: clinical testing. Allele origin: germline.
Comment: This sequence change replaces proline, which is neutral and non-polar, with leucine, which is neutral and non-polar, at codon 84 of the STEAP3 protein (p.Pro84Leu). This variant is present in population databases (rs150662213, gnomAD 0.06%), and has an allele count higher than expected for a pathogenic variant. This variant has not been reported in the literature in individuals affected with STEAP3-related conditions. ClinVar contains an entry for this variant (Variation ID: 2514560). An algorithm developed to predict the effect of missense changes on protein structure and function (PolyPhen-2) suggests that this variant is likely to be disruptive. In summary, the available evidence is currently insufficient to determine the role of this variant in disease. Therefore, it has been classified as a Variant of Uncertain Significance.

Ambry Genetics
Classification: Uncertain significance. Last evaluated: 2023-06-07. Review status: criteria provided, single submitter. Criteria: Ambry Variant Classification Scheme 2023. Collection method: clinical testing. Allele origin: germline.